The following is an entry in ClinVar:

NM_024301.5(FKRP):c.155T>C (p.Leu52Pro)

Gene: FKRP (fukutin related protein; plus strand). Cytogenetic location: 19q13.32.
Variant type: single nucleotide variant.
Coding change: c.155T>C on transcript NM_024301.5 (MANE Select); coding-DNA position 155, T replaced by C.
Protein change: p.Leu52Pro; replaces leucine 52 with proline.
Molecular consequence: missense variant.
Genome position (GRCh38, 1-based): chr19:46,755,605, T>C. VCF-style: chr19-46755605-T-C. GRCh37 (hg19) VCF-style: chr19-47258862-T-C.
Other names: c.155T>C, p.Leu52Pro (NM_001039885.3); short protein forms L52P.
Identifiers: ClinVar variation 3649328 (VCV003649328.2).

ClinVar aggregate classification (germline): Likely pathogenic (1 of 4 stars; one submission).

Conditions:
Walker-Warburg congenital muscular dystrophy. Also called: Muscular dystrophy-dystroglycanopathy, type A; Walker-Warburg syndrome. Identifiers: Orphanet 899, MedGen C0265221, MONDO:0000171.

Submission:

Labcorp Genetics (formerly Invitae), Labcorp
Classification: Likely pathogenic for Walker-Warburg congenital muscular dystrophy. Last evaluated: 2024-12-09. Review status: criteria provided, single submitter. Criteria: Invitae Variant Classification Sherloc (09022015). Collection method: clinical testing. Allele origin: germline.
Comment: This sequence change replaces leucine, which is neutral and non-polar, with proline, which is neutral and non-polar, at codon 52 of the FKRP protein (p.Leu52Pro). This variant is not present in population databases (gnomAD no frequency). This missense change has been observed in individual(s) with clinical features of FKRP-related conditions (internal data). In at least one individual the data is consistent with being in trans (on the opposite chromosome) from a pathogenic variant. Invitae Evidence Modeling of protein sequence and biophysical properties (such as structural, functional, and spatial information, amino acid conservation, physicochemical variation, residue mobility, and thermodynamic stability) indicates that this missense variant is expected to disrupt FKRP protein function with a positive predictive value of 95%. In summary, the currently available evidence indicates that the variant is pathogenic, but additional data are needed to prove that conclusively. Therefore, this variant has been classified as Likely Pathogenic.